The following is an entry in ClinVar:

NM_206933.4(USH2A):c.9372-2A>G

Gene: USH2A (usherin; minus strand). Cytogenetic location: 1q41.
Variant type: single nucleotide variant.
Coding change: c.9372-2A>G on transcript NM_206933.4 (MANE Select); the canonical splice acceptor site of the intron before coding-DNA position 9372, A replaced by G.
Molecular consequence: splice acceptor variant.
Genome position (GRCh38, 1-based): chr1:215,817,197, T>C on the plus strand (A>G on the coding strand, the complement: USH2A is on the minus strand). VCF-style: chr1-215817197-T-C. GRCh37 (hg19) VCF-style: chr1-215990539-T-C.
Identifiers: ClinVar variation 4062550 (VCV004062550.2).

ClinVar aggregate classification (germline): Likely pathogenic (1 of 4 stars; one submission).

Conditions:
Usher syndrome type 2A. Also called: RETINAL DISEASE IN USHER SYNDROME TYPE IIA, MODIFIER OF; USHER SYNDROME, TYPE IIA. Identifiers: Orphanet 231178, Orphanet 886, MedGen C1848634, MONDO:0010169, OMIM 276901.

Submission:

Natera, Inc.
Classification: Likely pathogenic for Usher syndrome type 2A. Last evaluated: 2025-05-22. Review status: criteria provided, single submitter. Criteria: Natera Variant Classification Schema (03/2026). Collection method: clinical testing. Allele origin: germline.
Comment: The c.9372-2A>G variant in USH2A is a canonical splice acceptor site variant predicted to affect pre-mRNA splicing, which may result in an abnormal transcript and altered protein product. This variant is expected to result in nonsense mediated decay, truncation, or a dysfunctional protein product. This variant is rare in the general population with a frequency below the threshold expected for the associated phenotype(s). Given the available evidence, this variant is classified as Likely Pathogenic.